The following is an entry in ClinVar:

ClinVar aggregate classification (germline): Uncertain significance (1 of 4 stars; one submission).

Conditions:
Congenital myasthenic syndrome 2A. Also called: Myasthenic syndrome, congenital, 2a, slow-channel. Identifiers: Orphanet 590, MedGen C4225374, MONDO:0014581, OMIM 616313.

Allele frequency attached by ClinVar (database versions not stated): gnomAD 0.00001.
gnomAD v4.1: 10 of 1,614,078 alleles (0.00062%); highest among the groups gnomAD compares: Admixed American, 0.0083%; no homozygotes.

Submission:

Labcorp Genetics (formerly Invitae), Labcorp
Classification: Uncertain significance for Congenital myasthenic syndrome 2A. Last evaluated: 2023-10-04. Review status: criteria provided, single submitter. Criteria: Invitae Variant Classification Sherloc (09022015). Collection method: clinical testing. Allele origin: germline.
Comment: This sequence change replaces aspartic acid, which is acidic and polar, with asparagine, which is neutral and polar, at codon 175 of the CHRNB1 protein (p.Asp175Asn). This variant is present in population databases (rs745640319, gnomAD 0.006%). This variant has not been reported in the literature in individuals affected with CHRNB1-related conditions. Advanced modeling of protein sequence and biophysical properties (such as structural, functional, and spatial information, amino acid conservation, physicochemical variation, residue mobility, and thermodynamic stability) performed at Invitae indicates that this missense variant is not expected to disrupt CHRNB1 protein function. In summary, the available evidence is currently insufficient to determine the role of this variant in disease. Therefore, it has been classified as a Variant of Uncertain Significance.

NM_000747.3(CHRNB1):c.523G>A (p.Asp175Asn)

Gene: CHRNB1 (cholinergic receptor nicotinic beta 1 subunit; plus strand). Cytogenetic location: 17p13.1.
Variant type: single nucleotide variant.
Coding change: c.523G>A on transcript NM_000747.3 (MANE Select); coding-DNA position 523, G replaced by A.
Protein change: p.Asp175Asn; replaces aspartic acid 175 with asparagine.
Molecular consequence: missense variant.
Genome position (GRCh38, 1-based): chr17:7,447,563, G>A. VCF-style: chr17-7447563-G-A. GRCh37 (hg19) VCF-style: chr17-7350882-G-A.
Other names: short protein forms D175N.
Identifiers: ClinVar variation 2894579 (VCV002894579.3), dbSNP rs745640319, ClinGen allele CA8347803.